The following is an entry in ClinVar:

ClinVar aggregate classification (germline): Uncertain significance. Review status: criteria provided, multiple submitters, no conflicts (2 of 4 stars). 4 submissions from 4 submitters: Uncertain significance (4). Last evaluated 2025-04-30.

Conditions:
Inborn genetic diseases. Identifiers: MedGen C0950123, MeSH D030342.

gnomAD v4.1: 41 of 1,614,010 alleles (0.0025%); highest among the groups gnomAD compares: Non-Finnish European, 0.0034%; no homozygotes.

Submissions (4):

Ambry Genetics
Classification: Uncertain significance for Inborn genetic diseases. Last evaluated: 2025-04-30. Review status: criteria provided, single submitter. Criteria: Ambry Variant Classification Scheme 2023. Collection method: clinical testing. Allele origin: germline.

Labcorp Genetics (formerly Invitae), Labcorp
Classification: Uncertain significance. Last evaluated: 2024-08-20. Review status: criteria provided, single submitter. Criteria: Invitae Variant Classification Sherloc (09022015). Collection method: clinical testing. Allele origin: germline.
Comment: This sequence change replaces proline, which is neutral and non-polar, with threonine, which is neutral and polar, at codon 188 of the GPR179 protein (p.Pro188Thr). This variant is present in population databases (rs776543973, gnomAD 0.003%). This variant has not been reported in the literature in individuals affected with GPR179-related conditions. An algorithm developed to predict the effect of missense changes on protein structure and function (PolyPhen-2) suggests that this variant is likely to be tolerated. In summary, the available evidence is currently insufficient to determine the role of this variant in disease. Therefore, it has been classified as a Variant of Uncertain Significance.

GeneDx
Classification: Uncertain significance. Last evaluated: 2024-01-26. Review status: criteria provided, single submitter. Criteria: GeneDx Variant Classification Process June 2021. Collection method: clinical testing. Allele origin: germline. Affected: yes.
Comment: Not observed at significant frequency in large population cohorts (gnomAD); In silico analysis supports that this missense variant does not alter protein structure/function; Has not been previously published as pathogenic or benign to our knowledge

Blueprint Genetics
Classification: Uncertain significance. Last evaluated: 2022-06-10. Review status: criteria provided, single submitter. Criteria: ACMG Guidelines, 2015. Collection method: clinical testing. Allele origin: germline.

NM_001004334.4(GPR179):c.562C>A (p.Pro188Thr)

Gene: GPR179 (G protein-coupled receptor 179; minus strand). Cytogenetic location: 17q12.
Variant type: single nucleotide variant.
Coding change: c.562C>A on transcript NM_001004334.4 (MANE Select); coding-DNA position 562, C replaced by A.
Protein change: p.Pro188Thr; replaces proline 188 with threonine.
Molecular consequence: missense variant.
Genome position (GRCh38, 1-based): chr17:38,343,228, G>T on the plus strand (C>A on the coding strand, the complement: GPR179 is on the minus strand). VCF-style: chr17-38343228-G-T. GRCh37 (hg19) VCF-style: chr17-36499111-G-T.
Other names: c.562C>A (NM_001004334.2); short protein forms P188T.
Identifiers: ClinVar variation 3367820 (VCV003367820.5).